The following is an entry in ClinVar:

NM_001354768.3(NRL):c.413T>C (p.Val138Ala)

Gene: NRL (neural retina leucine zipper; minus strand). Cytogenetic location: 14q11.2.
Variant type: single nucleotide variant.
Coding change: c.413T>C on transcript NM_001354768.3 (MANE Select); coding-DNA position 413, T replaced by C.
Protein change: p.Val138Ala; replaces valine 138 with alanine.
Molecular consequence: missense variant.
Genome position (GRCh38, 1-based): chr14:24,081,537, A>G on the plus strand (T>C on the coding strand, the complement: NRL is on the minus strand). VCF-style: chr14-24081537-A-G. GRCh37 (hg19) VCF-style: chr14-24550746-A-G.
Other names: c.413T>C, p.Val138Ala (NM_001354769.1, NM_006177.5); c.98T>C, p.Val33Ala (NM_001354770.2); short protein forms V138A, V33A.
Identifiers: ClinVar variation 2875470 (VCV002875470.3), dbSNP rs1477256976, ClinGen allele CA389278896.
Genomic context (GRCh38, chr14:24,081,537, plus strand): 5'-AGCGCCTCGTCGCGCCCGCAGCCCCGCAGCTGCCGGTTTAGCTCCCGCACAGACATCGAG[A>G]CCAGCGCCGCGTCGGAAAACCGCTCTGCCAGCTGCGGAGGGAGAATGCAGAAACCGGGTC-3'
Protein context (NP_001341697.1, residues 128-148): LAERFSDAAL[Val138Ala]SMSVRELNRQ

ClinVar aggregate classification (germline): Uncertain significance (1 of 4 stars; one submission).

Allele frequency attached by ClinVar (database versions not stated): gnomAD 0.00001; TOPMed 0.00002.
gnomAD v4.1: 5 of 1,603,830 alleles (0.00031%); highest among the groups gnomAD compares: African/African-American, 0.004%; no homozygotes.

Submission:

Labcorp Genetics (formerly Invitae), Labcorp
Classification: Uncertain significance. Last evaluated: 2025-08-27. Review status: criteria provided, single submitter. Criteria: Invitae Variant Classification Sherloc (09022015). Collection method: clinical testing. Allele origin: germline.
Comment: This sequence change replaces valine, which is neutral and non-polar, with alanine, which is neutral and non-polar, at codon 138 of the NRL protein (p.Val138Ala). This variant is present in population databases (no rsID available, gnomAD 0.008%). This variant has not been reported in the literature in individuals affected with NRL-related conditions. ClinVar contains an entry for this variant (Variation ID: 2875470). An algorithm developed to predict the effect of missense changes on protein structure and function (PolyPhen-2) suggests that this variant is likely to be tolerated. In summary, the available evidence is currently insufficient to determine the role of this variant in disease. Therefore, it has been classified as a Variant of Uncertain Significance.